The following is an entry in ClinVar:

NM_001379500.1(COL18A1):c.107-12193C>T

Gene: COL18A1 (collagen type XVIII alpha 1 chain; plus strand). Cytogenetic location: 21q22.3.
Variant type: single nucleotide variant.
Coding change: c.107-12193C>T on transcript NM_001379500.1 (MANE Select); 12193 bases into the intron before coding-DNA position 107, C replaced by T.
Molecular consequence: intron variant. On other transcripts: synonymous variant (2).
Genome position (GRCh38, 1-based): chr21:45,456,049, C>T. VCF-style: chr21-45456049-C-T. GRCh37 (hg19) VCF-style: chr21-46875963-C-T.
Other names: c.519C>T, p.Gly173= (NM_030582.4, NM_130444.3).
Identifiers: ClinVar variation 1537761 (VCV001537761.32), dbSNP rs1264105776, ClinGen allele CA513167883.
Genomic context (GRCh38, chr21:45,456,049, plus strand): 5'-CCTCGCTGGGCCTTCCAGCACCCCCCAGGAGAATGGGACCACTCTCTGGCCCAGCCGTGG[C>T]ATTCCTAGCTCTCCGGGCGCCCACACAACCGAGGCTGGCACCTTGCCTGCACCCACCCCA-3'

ClinVar aggregate classification (germline): Likely benign. Review status: criteria provided, multiple submitters, no conflicts (2 of 4 stars). 3 submissions from 3 submitters: Likely benign (3). Last evaluated 2025-07-13.

Allele frequency attached by ClinVar (database versions not stated): TOPMed below 0.00001; gnomAD exomes 0.00001.
gnomAD v4.1: 12 of 1,607,596 alleles (0.00075%); highest among the groups gnomAD compares: Admixed American, 0.0017%; no homozygotes.

Submissions (3):

Labcorp Genetics (formerly Invitae), Labcorp
Classification: Likely benign. Last evaluated: 2025-07-13. Review status: criteria provided, single submitter. Criteria: Invitae Variant Classification Sherloc (09022015). Collection method: clinical testing. Allele origin: germline.

Blueprint Genetics
Classification: Likely benign. Last evaluated: 2023-06-30. Review status: criteria provided, single submitter. Criteria: ACMG Guidelines, 2015. Collection method: clinical testing. Allele origin: germline.

CeGaT Center for Human Genetics Tuebingen
Classification: Likely benign. Last evaluated: 2022-10-01. Review status: criteria provided, single submitter. Criteria: CeGaT Center For Human Genetics Tuebingen Variant Classification Criteria Version 2. Collection method: clinical testing. Allele origin: germline. Affected: yes. Observed: 1 variant allele.
Comment: COL18A1: BP4, BP7